The following is an entry in ClinVar:

ClinVar aggregate classification (germline): Conflicting classifications of pathogenicity. Review status: criteria provided, conflicting classifications (1 of 4 stars). 2 submissions from 2 submitters: Likely pathogenic (1); Uncertain significance (1). Last evaluated 2024-01-19.

Conditions:
Hemoglobin H disease (HBH). Also called: ALPHA-THALASSEMIA, HEMOGLOBIN H TYPE; HEMOGLOBIN H DISEASE, DELETIONAL; Hemoglobin H (HbH) Disease. Identifiers: Orphanet 93616, MedGen C3161174, MONDO:0013512, OMIM 613978. Disease mechanism: loss of function.
alpha Thalassemia. Also called: Alpha thalassemia spectrum. Identifiers: Orphanet 846, MedGen C0002312, MONDO:0011399, OMIM 604131.
Erythrocytosis, familial, 7. Also called: ERYTHROCYTOSIS 7; ERYTHROCYTOSIS, ALPHA-GLOBIN TYPE; POLYCYTHEMIA, ALPHA-GLOBIN TYPE. Identifiers: MedGen C4693823, MONDO:0054802, OMIM 617981.
Heinz body anemia. Also called: Heinz body hemolytic anemia. Identifiers: Orphanet 178330, MedGen C0700299, MONDO:0007705, OMIM 140700, HP:0005511.

Submissions (2):

Fulgent Genetics
Classification: Likely pathogenic for Heinz body anemia; alpha Thalassemia; Hemoglobin H disease; Erythrocytosis, familial, 7. Last evaluated: 2024-01-19. Review status: criteria provided, single submitter. Criteria: ACMG Guidelines, 2015. Collection method: clinical testing. Allele origin: germline.

Women's Health and Genetics/Laboratory Corporation of America, LabCorp
Classification: Uncertain significance. Last evaluated: 2024-01-18. Review status: criteria provided, single submitter. Criteria: LabCorp Variant Classification Summary - May 2015. Collection method: clinical testing. Allele origin: germline.
Comment: Variant summary: HBA2 c.43T>C (p.Trp15Arg), also known as Hb Evanston, results in a non-conservative amino acid change in the encoded protein sequence. Five of five in-silico tools predict a damaging effect of the variant on protein function. The variant was absent in 383692 control chromosomes (gnomAD v4.0.0). c.43T>C has been reported in the literature in several individuals affected with Alpha Thalassemia and the variant was shown to segregate with disease in related individuals (e.g., Moo-Penn_1983, Honig_1984, Harteveld_2004, Keikhaei_2018). These data indicate that the variant is possibly to be associated with disease. Several publications report experimental evidence evaluating an impact on protein function, finding that the variant results in increased oxygen binding affinity but does not impact protein stability (e.g., Moo-Penn_1983, Honig_1984). The following publications have been ascertained in the context of this evaluation (PMID: 29627922, 6882779, 15008259, 6725558). No submitters have reported clinical-significance assessments for this variant to ClinVar. Based on the evidence outlined above, the variant was classified as VUS-possibly pathogenic.

Literature cited by the submitters: PubMed 15008259 (cited by Women's Health and Genetics/Laboratory Corporation of America, LabCorp); PubMed 6725558 (cited by Women's Health and Genetics/Laboratory Corporation of America, LabCorp); PubMed 6882779 (cited by Women's Health and Genetics/Laboratory Corporation of America, LabCorp); PubMed 29627922 (cited by Women's Health and Genetics/Laboratory Corporation of America, LabCorp).

NM_000517.6(HBA2):c.43T>C (p.Trp15Arg)

Genes: HBA2 (hemoglobin subunit alpha 2; plus strand), LOC106804612 (hemoglobin subunit alpha 2 recombination region; plus strand). Cytogenetic location: 16p13.3.
Variant type: single nucleotide variant.
Coding change: c.43T>C on transcript NM_000517.6 (MANE Select); coding-DNA position 43, T replaced by C.
Protein change: p.Trp15Arg; replaces tryptophan 15 with arginine.
Molecular consequence: missense variant.
Genome position (GRCh38, 1-based): chr16:172,955, T>C. VCF-style: chr16-172955-T-C. GRCh37 (hg19) VCF-style: chr16-222954-T-C.
Other names: c.43T>C, p.Trp15Arg (NM_000558.5); short protein forms W15R.
Identifiers: ClinVar variation 3063969 (VCV003063969.2), dbSNP rs281864810, ClinGen allele CA276414361.